The following is an entry in ClinVar:

ClinVar aggregate classification (germline): Pathogenic (1 of 4 stars; one submission).

Conditions:
MHC class II deficiency. Also called: Bare lymphocyte syndrome 2; BLS, TYPE II. Identifiers: Orphanet 572, MedGen C5447452, MONDO:0008855.

Submission:

Center for Genomics, Ann and Robert H. Lurie Children's Hospital of Chicago
Classification: Pathogenic for MHC class II deficiency 1. Last evaluated: 2022-01-10. Review status: criteria provided, single submitter. Criteria: ACMG Guidelines, 2015. Collection method: clinical testing. Allele origin: germline.
Comment: RFXAP NM_000538.3 exon 1 p.Lys175Srgfs*8 (c.524_527del): This variant has not been reported in the literature and is not present in large control databases. Evolutionary conservation and computational predictive tools for this variant are limited or unavailable. This variant is a deletion of 4 nucleotides at position 524 to 527 and creates a premature stop codon 7 amino acids downstream from this location which results in an absent or abnormal protein. Loss of function variants have been reported in association with disease for this gene (Villard 1997 PMID:9287230). In summary, this variant is classified as pathogenic.

NM_000538.4(RFXAP):c.524_527del (p.Lys175fs)

Genes: RFXAP (regulatory factor X associated protein; plus strand), LOC130009575 (ATAC-STARR-seq lymphoblastoid active region 7590; plus strand). Cytogenetic location: 13q13.3.
Variant type: Deletion.
Coding change: c.524_527del on transcript NM_000538.4 (MANE Select); coding-DNA positions 524 to 527, 4 bases deleted (AAAA; older notation c.524_527delAAAA).
Protein change: p.Lys175fs; shifts the reading frame from lysine 175.
Molecular consequence: frameshift variant.
Genome position (GRCh38, 1-based): chr13:36,819,881-36,819,884, AAAA deleted; deleting any 4 consecutive bases within chr13:36,819,880-36,819,884 gives the same sequence; the c. name uses the placement nearest the transcript's 3' end. VCF-style (leftmost placement, unchanged base first): chr13-36819879-TAAAA-T. GRCh37 (hg19) VCF-style: chr13-37394016-TAAAA-T.
Other names: short protein forms K175fs.
Identifiers: ClinVar variation 1527848 (VCV001527848.2), dbSNP rs2138213000, ClinGen allele CA2573149536.